The following is an entry in ClinVar:

NM_182961.4(SYNE1):c.8487+274_8487+277del

Gene: SYNE1 (spectrin repeat containing nuclear envelope protein 1; minus strand). Cytogenetic location: 6q25.2.
Variant type: Deletion.
Coding change: c.8487+274_8487+277del on transcript NM_182961.4 (MANE Select); bases 274 to 277 of the intron after coding-DNA position 8487, 4 bases deleted (GTTA; older notation c.8487+274_8487+277delGTTA).
Molecular consequence: intron variant.
Genome position (GRCh38, 1-based): chr6:152,386,795-152,386,798, TAAC deleted on the plus strand (GTTA on the coding strand, the reverse complement: SYNE1 is on the minus strand); deleting any 4 consecutive bases within chr6:152,386,795-152,386,801 gives the same sequence; the c. name uses the placement nearest the transcript's 3' end. VCF-style (leftmost placement, unchanged base first): chr6-152386794-TTAAC-T. GRCh37 (hg19) VCF-style: chr6-152707929-TTAAC-T.
Other names: c.8508+274_8508+277del (NM_033071.5).
Identifiers: ClinVar variation 683927 (VCV000683927.1), dbSNP rs60042470, ClinGen allele CA150237847.

ClinVar aggregate classification (germline): Benign (1 of 4 stars; one submission).

Submission:

GeneDx
Classification: Benign. Last evaluated: 2018-06-16. Review status: criteria provided, single submitter. Criteria: GeneDx Variant Classification (06012015). Collection method: clinical testing. Allele origin: germline. Affected: yes.
Comment: This variant is considered likely benign or benign based on one or more of the following criteria: it is a conservative change, it occurs at a poorly conserved position in the protein, it is predicted to be benign by multiple in silico algorithms, and/or has population frequency not consistent with disease.